The following is an entry in ClinVar:

ClinVar aggregate classification (germline): Uncertain significance (1 of 4 stars; one submission).

Submission:

GeneDx
Classification: Uncertain significance. Last evaluated: 2022-08-17. Review status: criteria provided, single submitter. Criteria: GeneDx Variant Classification Process June 2021. Collection method: clinical testing. Allele origin: germline. Affected: yes.
Comment: Not observed at significant frequency in large population cohorts (gnomAD); In silico analysis supports that this missense variant has a deleterious effect on protein structure/function; Has not been previously published as pathogenic or benign to our knowledge

NM_006766.5(KAT6A):c.4396C>T (p.Pro1466Ser)

Gene: KAT6A (lysine acetyltransferase 6A; minus strand). Cytogenetic location: 8p11.21.
Variant type: single nucleotide variant.
Coding change: c.4396C>T on transcript NM_006766.5 (MANE Select); coding-DNA position 4396, C replaced by T.
Protein change: p.Pro1466Ser; replaces proline 1466 with serine.
Molecular consequence: missense variant.
Genome position (GRCh38, 1-based): chr8:41,933,824, G>A on the plus strand (C>T on the coding strand, the complement: KAT6A is on the minus strand). VCF-style: chr8-41933824-G-A. GRCh37 (hg19) VCF-style: chr8-41791342-G-A.
Other names: short protein forms P1466S.
Identifiers: ClinVar variation 2430961 (VCV002430961.1), dbSNP rs2486754942, ClinGen allele CA371065906.